The following is an entry in ClinVar:

ClinVar aggregate classification (germline): Benign/Likely benign. Review status: criteria provided, multiple submitters, no conflicts (2 of 4 stars). 6 submissions from 6 submitters: Benign (4); Likely benign (2). Last evaluated 2026-07-01.

Conditions:
Reticular dysgenesis. Also called: ALEUKOCYTOSIS; CONGENITAL ALEUKIA; HEMATOPOIETIC HYPOPLASIA, GENERALIZED; RETICULAR DYSGENESIA; SEVERE COMBINED IMMUNODEFICIENCY WITH LEUKOPENIA; DeVaal disease. Identifiers: Orphanet 33355, MedGen C0272167, MONDO:0009973, OMIM 267500.

Allele frequency attached by ClinVar (database versions not stated): 1000 Genomes Project 30x 0.00297; 1000 Genomes Project 0.00339; ExAC 0.00739; gnomAD 0.00774 and 0.00783; ESP Exome Variant Server 0.00946.
gnomAD v4.1: 19,459 of 1,614,092 alleles (1.2%); highest among the groups gnomAD compares: Non-Finnish European, 1.5%; 134 homozygotes.

Submissions (6):

CeGaT Center for Human Genetics Tuebingen
Classification: Benign. Last evaluated: 2026-07-01. Review status: criteria provided, single submitter. Criteria: CeGaT Center For Human Genetics Tuebingen Variant Classification Criteria Version 2. Collection method: clinical testing. Allele origin: germline. Affected: yes. Observed: 7 variant alleles.
Comment: AK2: BP4, BS1, BS2

Labcorp Genetics (formerly Invitae), Labcorp
Classification: Benign for Reticular dysgenesis. Last evaluated: 2025-09-08. Review status: criteria provided, single submitter. Criteria: Invitae Variant Classification Sherloc (09022015). Collection method: clinical testing. Allele origin: germline.

Mayo Clinic Laboratories, Mayo Clinic
Classification: Benign. Last evaluated: 2021-10-21. Review status: criteria provided, single submitter. Criteria: ACMG Guidelines, 2015. Collection method: clinical testing. Allele origin: germline. Observed: 19 variant alleles.
Comment: BS1, BS2, BP4

Center for Pediatric Genomic Medicine, Children's Mercy Hospital and Clinics
Classification: Likely benign. Last evaluated: 2016-08-01. Review status: criteria provided, single submitter. Criteria: ACMG Guidelines, 2015. Collection method: clinical testing. Allele origin: germline.
ClinVar note: Converted during submission from Likely Benign to Likely benign.

GeneDx
Classification: Benign. Last evaluated: 2013-05-03. Review status: criteria provided, single submitter. Criteria: GeneDx Variant Classification (06012015). Collection method: clinical testing. Allele origin: germline. Affected: yes.
Comment: This variant is considered likely benign or benign based on one or more of the following criteria: it is a conservative change, it occurs at a poorly conserved position in the protein, it is predicted to be benign by multiple in silico algorithms, and/or has population frequency not consistent with disease.

Breakthrough Genomics
Classification: Likely benign. Review status: criteria provided, single submitter. Criteria: ACMG Guidelines, 2015. Collection method: not provided. Allele origin: germline. Inheritance: Autosomal recessive inheritance. Affected: yes.

NM_001625.4(AK2):c.625G>A (p.Ala209Thr)

Gene: AK2 (adenylate kinase 2; minus strand). Cytogenetic location: 1p35.1.
Variant type: single nucleotide variant.
Coding change: c.625G>A on transcript NM_001625.4 (MANE Select); coding-DNA position 625, G replaced by A.
Protein change: p.Ala209Thr; replaces alanine 209 with threonine.
Molecular consequence: missense variant. On other transcripts: 3 prime UTR variant (1), non-coding transcript variant (1).
Genome position (GRCh38, 1-based): chr1:33,013,276, C>T on the plus strand (G>A on the coding strand, the complement: AK2 is on the minus strand). VCF-style: chr1-33013276-C-T. GRCh37 (hg19) VCF-style: chr1-33478877-C-T.
Other names: p.A209T:GCC>ACC; c.601G>A, p.Ala201Thr (NM_001199199.3); c.481G>A, p.Ala161Thr (NM_001319139.3, NM_001319140.2); c.625G>A, p.Ala209Thr (NM_001319141.3, NM_013411.5); c.499G>A, p.Ala167Thr (NM_001319142.3); c.*128G>A (NM_001319143.2); short protein forms A209T, A161T, A167T, A201T.
Identifiers: ClinVar variation 136327 (VCV000136327.35), dbSNP rs12116440, ClinGen allele CA289341.